The following is an entry in ClinVar:

ClinVar aggregate classification (germline): Pathogenic/Likely pathogenic. Review status: criteria provided, multiple submitters, no conflicts (2 of 4 stars). 4 submissions from 4 submitters: Pathogenic (2); Likely pathogenic (2). Last evaluated 2025-06-11.

Conditions:
Epiphyseal dysplasia, multiple, 7. Identifiers: Orphanet 647676, MedGen C4540251, MONDO:0054680, OMIM 617719.
Desbuquois dysplasia 1 (DBQD1). Also called: MICROMELIC DWARFISM WITH VERTEBRAL AND METAPHYSEAL ABNORMALITIES AND ADVANCED CARPOTARSAL OSSIFICATION; DESBUQUOIS DYSPLASIA 1, KIM VARIANT. Identifiers: Orphanet 1425, MedGen C4012146, MONDO:0009629, OMIM 251450.

Allele frequency attached by ClinVar (database versions not stated): gnomAD 0.00001; gnomAD exomes 0.00001; TOPMed 0.00001; ExAC 0.00003; 1000 Genomes Project 30x 0.00016; 1000 Genomes Project 0.00020.
gnomAD v4.1: 8 of 1,562,466 alleles (0.00051%); highest among the groups gnomAD compares: East Asian, 0.0094%; no homozygotes.

Submissions (4):

Labcorp Genetics (formerly Invitae), Labcorp
Classification: Pathogenic. Last evaluated: 2025-06-11. Review status: criteria provided, single submitter. Criteria: Invitae Variant Classification Sherloc (09022015). Collection method: clinical testing. Allele origin: germline.
Comment: This sequence change falls in intron 3 of the CANT1 gene. It does not directly change the encoded amino acid sequence of the CANT1 protein. RNA analysis indicates that this variant induces altered splicing and likely disrupts the C-terminus of the protein. The frequency data for this variant in the population databases is considered unreliable, as metrics indicate poor data quality at this position in the gnomAD database. This variant has been observed in individual(s) with clinical features of Desbuquois dysplasia (PMID: 21037275; internal data). In at least one individual the data is consistent with being in trans (on the opposite chromosome) from a pathogenic variant. This variant is also known as IVS2-9G>A. ClinVar contains an entry for this variant (Variation ID: 197369). Studies have shown that this variant results in alternative splicing and inclusion of intronic sequence (c.835_836insTTCCCAG) and introduces a new termination codon (PMID: 21037275). However the mRNA is not expected to undergo nonsense-mediated decay. For these reasons, this variant has been classified as Pathogenic.

Fulgent Genetics
Classification: Pathogenic for Desbuquois dysplasia 1; Epiphyseal dysplasia, multiple, 7. Last evaluated: 2024-01-22. Review status: criteria provided, single submitter. Criteria: ACMG Guidelines, 2015. Collection method: clinical testing. Allele origin: germline.

3billion
Classification: Likely pathogenic for Desbuquois dysplasia 1. Last evaluated: 2021-10-02. Review status: criteria provided, single submitter. Criteria: ACMG Guidelines, 2015. Collection method: clinical testing. Allele origin: paternal. Affected: yes. Observed: 1 heterozygote.
Comment: It is observed at an extremely low frequency in the gnomAD v2.1.1 dataset (total allele frequency: 0.000012, PM2). The variant was observed in trans with a pathogenic variant [NM_001159772.1:c.643G>A (p.Glu215Lys)] as compound heterozygous (3billion dataset, PM3). In silico tools predict the variant to alter splicing and produce an abnormal transcript (SpliceAI: 0.96). Patient's phenotype is considered compatible with Desbuquois dysplasia 1 (3billion dataset, PP4). Therefore, this variant is classified as likely pathogenic according to the recommendation of ACMG/AMP guideline

Eurofins Ntd Llc (ga)
Classification: Likely pathogenic. Last evaluated: 2014-10-22. Review status: criteria provided, single submitter. Criteria: EGL Classification Definitions 2015. Collection method: clinical testing. Allele origin: germline. Observed: 1 variant allele, 1 heterozygote.

Literature cited by the submitters: PubMed 21037275 (cited by Labcorp Genetics (formerly Invitae), Labcorp).

NM_001159773.2(CANT1):c.836-9G>A

Gene: CANT1 (calcium activated nucleotidase 1; minus strand). Cytogenetic location: 17q25.3.
Variant type: single nucleotide variant.
Coding change: c.836-9G>A on transcript NM_001159773.2 (MANE Select); 9 bases into the intron before coding-DNA position 836, G replaced by A.
Molecular consequence: intron variant.
Genome position (GRCh38, 1-based): chr17:78,993,929, C>T on the plus strand (G>A on the coding strand, the complement: CANT1 is on the minus strand). VCF-style: chr17-78993929-C-T. GRCh37 (hg19) VCF-style: chr17-76990011-C-T.
Other names: c.836-9G>A (NM_138793.4, NM_001159772.2).
Identifiers: ClinVar variation 197369 (VCV000197369.14), dbSNP rs538543007, ClinGen allele CA202841.